The following is an entry in ClinVar:

ClinVar aggregate classification (germline): Uncertain significance (1 of 4 stars; one submission).

Submission:

Labcorp Genetics (formerly Invitae), Labcorp
Classification: Uncertain significance. Last evaluated: 2022-08-21. Review status: criteria provided, single submitter. Criteria: Invitae Variant Classification Sherloc (09022015). Collection method: clinical testing. Allele origin: germline.
Comment: This variant, c.3288_3289delinsAG, is a complex sequence change that results in the deletion of 2 and insertion of 2 amino acid(s) in the ERCC6 protein (p.His1096_Met1097delinsGlnVal). Information on the frequency of this variant in the gnomAD database is not available, as this variant may be reported differently in the database. This variant has not been reported in the literature in individuals affected with ERCC6-related conditions. Experimental studies and prediction algorithms are not available or were not evaluated, and the functional significance of this variant is currently unknown. Algorithms developed to predict the effect of sequence changes on RNA splicing suggest that this variant may create or strengthen a splice site. In summary, the available evidence is currently insufficient to determine the role of this variant in disease. Therefore, it has been classified as a Variant of Uncertain Significance.

NM_000124.4(ERCC6):c.3288_3289delinsAG (p.His1096_Met1097delinsGlnVal)

Gene: ERCC6 (ERCC excision repair 6, chromatin remodeling factor; minus strand). Cytogenetic location: 10q11.23.
Variant type: Indel.
Coding change: c.3288_3289delinsAG on transcript NM_000124.4 (MANE Select); coding-DNA positions 3288 to 3289, CA replaced by AG.
Protein change: p.His1096_Met1097delinsGlnVal.
Molecular consequence: missense variant.
Genome position (GRCh38, 1-based): chr10:49,470,671-49,470,672, TG replaced by CT on the plus strand (CA replaced by AG on the coding strand, the reverse complement: ERCC6 is on the minus strand). VCF-style: chr10-49470671-TG-CT. GRCh37 (hg19) VCF-style: chr10-50678717-TG-CT.
Other names: c.3288_3289delinsAG, p.His1096_Met1097delinsGlnVal (NM_001346440.2).
Identifiers: ClinVar variation 2183562 (VCV002183562.3), dbSNP rs2495972701, ClinGen allele CA2580081558.
Genomic context (GRCh38, chr10:49,470,671, plus strand): 5'-GTCCAGATACTGCATTTGTCTCTTCTCCAAGCCTATCATTGCTAGTTACATTACTACTCA[TG>CT]TGAGGGTCATCTTTCAAAGGATCACTTCGATTAGAAGTTACTGCATTTACTTCAGCTCCT-3'